The following is an entry in ClinVar:

ClinVar aggregate classification (germline): Uncertain significance (1 of 4 stars; one submission).

gnomAD v4.1: 9 of 1,321,078 alleles (0.00068%); highest among the groups gnomAD compares: Admixed American, 0.0034%; no homozygotes.

Submission:

Labcorp Genetics (formerly Invitae), Labcorp
Classification: Uncertain significance. Last evaluated: 2024-07-08. Review status: criteria provided, single submitter. Criteria: Invitae Variant Classification Sherloc (09022015). Collection method: clinical testing. Allele origin: germline.
Comment: This sequence change replaces serine, which is neutral and polar, with asparagine, which is neutral and polar, at codon 10 of the GATA5 protein (p.Ser10Asn). The frequency data for this variant in the population databases is considered unreliable, as metrics indicate poor data quality at this position in the gnomAD database. This variant has not been reported in the literature in individuals affected with GATA5-related conditions. Algorithms developed to predict the effect of missense changes on protein structure and function output the following: SIFT: "Not Available"; PolyPhen-2: "Benign"; Align-GVGD: "Not Available". The asparagine amino acid residue is found in multiple mammalian species, which suggests that this missense change does not adversely affect protein function. In summary, the available evidence is currently insufficient to determine the role of this variant in disease. Therefore, it has been classified as a Variant of Uncertain Significance.

NM_080473.5(GATA5):c.29G>A (p.Ser10Asn)

Gene: GATA5 (GATA binding protein 5; minus strand). Cytogenetic location: 20q13.33.
Variant type: single nucleotide variant.
Coding change: c.29G>A on transcript NM_080473.5 (MANE Select); coding-DNA position 29, G replaced by A.
Protein change: p.Ser10Asn; replaces serine 10 with asparagine.
Molecular consequence: missense variant.
Genome position (GRCh38, 1-based): chr20:62,475,493, C>T on the plus strand (G>A on the coding strand, the complement: GATA5 is on the minus strand). VCF-style: chr20-62475493-C-T. GRCh37 (hg19) VCF-style: chr20-61050549-C-T.
Other names: short protein forms S10N.
Identifiers: ClinVar variation 3643678 (VCV003643678.2).